The following is an entry in ClinVar:

NM_000384.3(APOB):c.7147C>G (p.Gln2383Glu)

Gene: APOB (apolipoprotein B; minus strand). Cytogenetic location: 2p24.1.
Variant type: single nucleotide variant.
Coding change: c.7147C>G on transcript NM_000384.3 (MANE Select); coding-DNA position 7147, C replaced by G.
Protein change: p.Gln2383Glu; replaces glutamine 2383 with glutamic acid.
Molecular consequence: missense variant.
Genome position (GRCh38, 1-based): chr2:21,009,721, G>C on the plus strand (C>G on the coding strand, the complement: APOB is on the minus strand). VCF-style: chr2-21009721-G-C. GRCh37 (hg19) VCF-style: chr2-21232593-G-C.
Other names: short protein forms Q2383E.
Identifiers: ClinVar variation 2586171 (VCV002586171.2), dbSNP rs1663251841, ClinGen allele CA345997884.

ClinVar aggregate classification (germline): Uncertain significance (1 of 4 stars; one submission).

Conditions:
Cardiovascular phenotype. Identifiers: MedGen CN230736.

Allele frequency attached by ClinVar (database versions not stated): gnomAD exomes below 0.00001.
gnomAD v4.1: 1 of 1,613,696 alleles (0.000062%); highest among the groups gnomAD compares: Non-Finnish European, 0.000085%; no homozygotes.

Submission:

Ambry Genetics
Classification: Uncertain significance for Cardiovascular phenotype. Last evaluated: 2023-06-18. Review status: criteria provided, single submitter. Criteria: Ambry Variant Classification Scheme 2023. Collection method: clinical testing. Allele origin: germline.
Comment: The p.Q2383E variant (also known as c.7147C>G), located in coding exon 26 of the APOB gene, results from a C to G substitution at nucleotide position 7147. The glutamine at codon 2383 is replaced by glutamic acid, an amino acid with highly similar properties. This amino acid position is conserved. In addition, this alteration is predicted to be tolerated by in silico analysis. Since supporting evidence is limited at this time, the clinical significance of this alteration remains unclear.